The following is an entry in ClinVar:

ClinVar aggregate classification (germline): Benign. Review status: criteria provided, multiple submitters, no conflicts (2 of 4 stars). 3 submissions from 3 submitters: Benign (3). Last evaluated 2018-11-12.

Allele frequency attached by ClinVar (database versions not stated): ESP Exome Variant Server 0.39738; TOPMed 0.43851; 1000 Genomes Project 30x 0.46002; gnomAD 0.42721 and 0.42820; 1000 Genomes Project 0.46446.
gnomAD v4.1: 646,419 of 1,576,108 alleles (41%); highest among the groups gnomAD compares: East Asian, 60%; 133,444 homozygotes.

Submissions (3):

GeneDx
Classification: Benign. Last evaluated: 2018-11-12. Review status: criteria provided, single submitter. Criteria: GeneDx Variant Classification Process June 2021. Collection method: clinical testing. Allele origin: germline. Affected: yes.

Laboratory for Molecular Medicine, Mass General Brigham Personalized Medicine
Classification: Benign. Last evaluated: 2013-02-21. Review status: criteria provided, single submitter. Criteria: LMM Criteria. Collection method: clinical testing. Allele origin: germline. Observed: 82 variant alleles.
Comment: 1843+11C>G in intron 15 of MUC5B: This variant is not expected to have clinical significance because it is not located within the conserved splice consensus seq uence. It has been identified in 42.7% (1750/4098) of African American chromosom es from a broad population by the NHLBI Exome Sequencing Project (.; dbSNP rs12421917).

Breakthrough Genomics
Classification: Benign. Review status: criteria provided, single submitter. Criteria: ACMG Guidelines, 2015. Collection method: not provided. Allele origin: germline. Inheritance: Autosomal dominant inheritance. Affected: yes.

NM_002458.3(MUC5B):c.1843+11C>G

Gene: MUC5B (mucin 5B, oligomeric mucus/gel-forming; plus strand). Cytogenetic location: 11p15.5.
Variant type: single nucleotide variant.
Coding change: c.1843+11C>G on transcript NM_002458.3 (MANE Select); 11 bases into the intron after coding-DNA position 1843, C replaced by G.
Molecular consequence: intron variant.
Genome position (GRCh38, 1-based): chr11:1,232,171, C>G. VCF-style: chr11-1232171-C-G. GRCh37 (hg19) VCF-style: chr11-1253401-C-G.
Identifiers: ClinVar variation 163996 (VCV000163996.7), dbSNP rs12421917, ClinGen allele CA176756.